The following is an entry in ClinVar:

ClinVar aggregate classification (germline): Benign. Review status: criteria provided, multiple submitters, no conflicts (2 of 4 stars). 12 submissions from 10 submitters: Benign (10). 2 of the submissions do not count toward it. Last evaluated 2026-06-12.

Conditions:
Neuromuscular disease caused by qualitative or quantitative defects of dysferlin. Also called: Qualitative or quantitative defects of dysferlin; Dysferlinopathy. Identifiers: Orphanet 207073, MedGen C2931687, MONDO:0016145.
Miyoshi muscular dystrophy 1 (MMD1). Identifiers: Orphanet 45448, MedGen C4551973, MONDO:0024545, OMIM 254130.
Autosomal recessive limb-girdle muscular dystrophy type 2B (LGMDR2). Also called: MUSCULAR DYSTROPHY, LIMB-GIRDLE, TYPE 3; Limb-girdle muscular dystrophy, type 2B; Limb-Girdle Muscular Dystrophy Type 2B (LGMD2B); MUSCULAR DYSTROPHY, LIMB-GIRDLE, AUTOSOMAL RECESSIVE 2. Identifiers: Orphanet 268, MedGen C1850889, MONDO:0009676, OMIM 253601.
Distal myopathy with anterior tibial onset. Identifiers: Orphanet 178400, MedGen C1847532, MONDO:0011721, OMIM 606768.

Allele frequency attached by ClinVar (database versions not stated): ESP Exome Variant Server 0.17167; gnomAD 0.18932 and 0.19985; TOPMed 0.19973; 1000 Genomes Project 30x 0.25468; 1000 Genomes Project 0.26058; ExAC 0.26585.
gnomAD v4.1: 388,537 of 1,611,560 alleles (24%); highest among the groups gnomAD compares: East Asian, 42%; 50,436 homozygotes.

Submissions (12):

Women's Health and Genetics/Laboratory Corporation of America, LabCorp
Classification: Benign. Last evaluated: 2026-06-12. Review status: criteria provided, single submitter. Criteria: LabCorp Variant Classification Summary - May 2015. Collection method: clinical testing. Allele origin: germline.

Labcorp Genetics (formerly Invitae), Labcorp
Classification: Benign for Neuromuscular disease caused by qualitative or quantitative defects of dysferlin. Last evaluated: 2026-02-04. Review status: criteria provided, single submitter. Criteria: Invitae Variant Classification Sherloc (09022015). Collection method: clinical testing. Allele origin: germline.

Blueprint Genetics
Classification: Benign. Last evaluated: 2024-11-26. Review status: criteria provided, single submitter. Criteria: ACMG Guidelines, 2015. Collection method: clinical testing. Allele origin: germline.

Genome-Nilou Lab
Classification: Benign for Autosomal recessive limb-girdle muscular dystrophy type 2B. Last evaluated: 2021-07-30. Review status: criteria provided, single submitter. Criteria: ACMG Guidelines, 2015. Collection method: clinical testing. Allele origin: germline. Affected: no.

Genome-Nilou Lab
Classification: Benign for Distal myopathy with anterior tibial onset. Last evaluated: 2021-07-30. Review status: criteria provided, single submitter. Criteria: ACMG Guidelines, 2015. Collection method: clinical testing. Allele origin: germline. Affected: no.

Genome-Nilou Lab
Classification: Benign for Miyoshi muscular dystrophy 1. Last evaluated: 2021-06-10. Review status: criteria provided, single submitter. Criteria: ACMG Guidelines, 2015. Collection method: clinical testing. Allele origin: germline. Affected: no.

GeneDx
Classification: Benign. Last evaluated: 2016-01-18. Review status: criteria provided, single submitter. Criteria: GeneDx Variant Classification (06012015). Collection method: clinical testing. Allele origin: germline. Affected: yes.
Comment: This variant is considered likely benign or benign based on one or more of the following criteria: it is a conservative change, it occurs at a poorly conserved position in the protein, it is predicted to be benign by multiple in silico algorithms, and/or has population frequency not consistent with disease.

Eurofins Ntd Llc (ga)
Classification: Benign. Last evaluated: 2013-04-08. Review status: criteria provided, single submitter. Criteria: EGL Classification Definitions 2015. Collection method: clinical testing. Allele origin: germline. Observed: 84 variant alleles, 64 heterozygotes, 20 homozygotes.

Breakthrough Genomics
Classification: Benign. Review status: criteria provided, single submitter. Criteria: ACMG Guidelines, 2015. Collection method: not provided. Allele origin: germline. Inheritance: Autosomal recessive inheritance. Affected: yes.

PreventionGenetics, part of Exact Sciences
Classification: Benign. Review status: criteria provided, single submitter. Criteria: ACMG Guidelines, 2015. Collection method: clinical testing. Allele origin: germline.

Clinical Genetics, Academic Medical Center
Classification: Benign. Review status: no assertion criteria provided. Collection method: clinical testing. Allele origin: germline. Affected: yes. Study: VKGL Data-share Consensus. Not counted in ClinVar's aggregate classification.

Joint Genome Diagnostic Labs from Nijmegen and Maastricht, Radboudumc and MUMC+
Classification: Benign. Review status: no assertion criteria provided. Collection method: clinical testing. Allele origin: germline. Affected: yes. Study: VKGL Data-share Consensus. Not counted in ClinVar's aggregate classification.

NM_001130987.2(DYSF):c.3086-17G>A

Gene: DYSF (dysferlin; plus strand). Cytogenetic location: 2p13.2.
Variant type: single nucleotide variant.
Coding change: c.3086-17G>A on transcript NM_001130987.2 (MANE Select); 17 bases into the intron before coding-DNA position 3086, G replaced by A.
Molecular consequence: intron variant.
Genome position (GRCh38, 1-based): chr2:71,570,582, G>A. VCF-style: chr2-71570582-G-A. GRCh37 (hg19) VCF-style: chr2-71797712-G-A.
Other names: c.3125-17G>A (NM_001130979.2); c.3083-17G>A (NM_001130981.2, NM_001130980.2); c.3032-17G>A (NM_001130978.2, NM_003494.4); c.2990-17G>A (NM_001130977.2, NM_001130976.2); c.3128-17G>A (NM_001130982.2); c.3086-17G>A (NM_001130985.2); c.3035-17G>A (NM_001130983.2, NM_001130455.2); c.2993-17G>A (NM_001130984.2, NM_001130986.2).
Identifiers: ClinVar variation 94297 (VCV000094297.23), dbSNP rs3764971, ClinGen allele CA147742.